The following is an entry in ClinVar:

ClinVar aggregate classification (germline): Pathogenic (1 of 4 stars; one submission).

Conditions:
Fanconi anemia (FA). Also called: Fanconi's anemia. Identifiers: Orphanet 84, MedGen C0015625, MeSH D005199, MONDO:0019391.

Submission:

Labcorp Genetics (formerly Invitae), Labcorp
Classification: Pathogenic for Fanconi anemia. Last evaluated: 2019-10-17. Review status: criteria provided, single submitter. Criteria: Invitae Variant Classification Sherloc (09022015). Collection method: clinical testing. Allele origin: germline.
Comment: This sequence change creates a premature translational stop signal (p.Glu150Argfs*31) in the FANCA gene. It is expected to result in an absent or disrupted protein product. This variant is not present in population databases (ExAC no frequency). This variant has not been reported in the literature in individuals with FANCA-related conditions. Loss-of-function variants in FANCA are known to be pathogenic (PMID: 19367192). For these reasons, this variant has been classified as Pathogenic.

NM_000135.4(FANCA):c.447dup (p.Glu150fs)

Gene: FANCA (FA complementation group A; minus strand). Cytogenetic location: 16q24.3.
Variant type: Duplication.
Coding change: c.447dup on transcript NM_000135.4 (MANE Select); coding-DNA position 447, one base duplicated (A; older notation c.447dupA).
Protein change: p.Glu150fs; shifts the reading frame from glutamic acid 150.
Molecular consequence: frameshift variant. On other transcripts: intron variant (1).
Genome position (GRCh38, 1-based): chr16:89,810,782, T duplicated on the plus strand (A on the coding strand, the reverse complement: FANCA is on the minus strand). VCF-style (leftmost placement, unchanged base first): chr16-89810781-C-CT. GRCh37 (hg19) VCF-style: chr16-89877189-C-CT.
Other names: c.447dup, p.Glu150fs (NM_001018112.3, NM_001286167.3); c.426+147dup (NM_001351830.2); short protein forms E150fs.
Identifiers: ClinVar variation 936882 (VCV000936882.1), dbSNP rs2040846500, ClinGen allele CA1139664986.